The following is an entry in ClinVar:

NM_014159.7(SETD2):c.2701G>A (p.Gly901Arg)

Gene: SETD2 (SET domain containing 2, histone lysine methyltransferase; minus strand). Cytogenetic location: 3p21.31.
Variant type: single nucleotide variant.
Coding change: c.2701G>A on transcript NM_014159.7 (MANE Select); coding-DNA position 2701, G replaced by A.
Protein change: p.Gly901Arg; replaces glycine 901 with arginine.
Molecular consequence: missense variant. On other transcripts: non-coding transcript variant (1).
Genome position (GRCh38, 1-based): chr3:47,121,935, C>T on the plus strand (G>A on the coding strand, the complement: SETD2 is on the minus strand). VCF-style: chr3-47121935-C-T. GRCh37 (hg19) VCF-style: chr3-47163425-C-T.
Other names: c.2569G>A, p.Gly857Arg (NM_001349370.3); short protein forms G857R, G901R.
Identifiers: ClinVar variation 3351820 (VCV003351820.1).

ClinVar aggregate classification (germline): Uncertain significance (0 of 4 stars; one submission).

Conditions:
SETD2-related disorder.

gnomAD v4.1: 28 of 1,613,784 alleles (0.0017%); highest among the groups gnomAD compares: East Asian, 0.0067%; no homozygotes.

Submission:

PreventionGenetics, part of Exact Sciences
Classification: Uncertain significance for SETD2-related condition. Last evaluated: 2024-07-01. Review status: no assertion criteria provided. Collection method: clinical testing. Allele origin: germline.
Comment: The SETD2 c.2701G>A variant is predicted to result in the amino acid substitution p.Gly901Arg. To our knowledge, this variant has not been reported in the literature. This variant is reported in 0.0054% of alleles in individuals of East Asian descent in gnomAD. At this time, the clinical significance of this variant is uncertain due to the absence of conclusive functional and genetic evidence.